The following is an entry in ClinVar:

ClinVar aggregate classification (germline): Uncertain significance (1 of 4 stars; one submission).

Submission:

Ambry Genetics
Classification: Uncertain significance. Last evaluated: 2025-06-01. Review status: criteria provided, single submitter. Criteria: Ambry Variant Classification Scheme 2023. Collection method: clinical testing. Allele origin: germline.
Comment: The p.Q26H variant (also known as c.78A>C), located in coding exon 2 of the RECQL gene, results from an A to C substitution at nucleotide position 78. The glutamine at codon 26 is replaced by histidine, an amino acid with highly similar properties. This amino acid position is conserved. In addition, the in silico prediction for this alteration is inconclusive. Based on the available evidence, the clinical significance of this variant remains unclear.

NM_002907.4(RECQL):c.78A>C (p.Gln26His)

Gene: RECQL (RecQ like helicase; minus strand). Cytogenetic location: 12p12.1.
Variant type: single nucleotide variant.
Coding change: c.78A>C on transcript NM_002907.4 (MANE Select); coding-DNA position 78, A replaced by C.
Protein change: p.Gln26His; replaces glutamine 26 with histidine.
Molecular consequence: missense variant.
Genome position (GRCh38, 1-based): chr12:21,491,655, T>G on the plus strand (A>C on the coding strand, the complement: RECQL is on the minus strand). VCF-style: chr12-21491655-T-G. GRCh37 (hg19) VCF-style: chr12-21644589-T-G.
Other names: c.78A>C, p.Gln26His (NM_032941.3); short protein forms Q26H.
Identifiers: ClinVar variation 3944226 (VCV003944226.1).